The following is an entry in ClinVar:

NM_147127.5(EVC2):c.3718A>C (p.Ser1240Arg)

Gene: EVC2 (EvC ciliary complex subunit 2; minus strand). Cytogenetic location: 4p16.2.
Variant type: single nucleotide variant.
Coding change: c.3718A>C on transcript NM_147127.5 (MANE Select); coding-DNA position 3718, A replaced by C.
Protein change: p.Ser1240Arg; replaces serine 1240 with arginine.
Molecular consequence: missense variant.
Genome position (GRCh38, 1-based): chr4:5,563,057, T>G on the plus strand (A>C on the coding strand, the complement: EVC2 is on the minus strand). VCF-style: chr4-5563057-T-G. GRCh37 (hg19) VCF-style: chr4-5564784-T-G.
Other names: c.3478A>C, p.Ser1160Arg (NM_001166136.2); short protein forms S1160R, S1240R.
Identifiers: ClinVar variation 1331219 (VCV001331219.4), dbSNP rs1399603571, ClinGen allele CA356147185.

ClinVar aggregate classification (germline): Uncertain significance. Review status: criteria provided, multiple submitters, no conflicts (2 of 4 stars). 3 submissions from 3 submitters: Uncertain significance (3). Last evaluated 2026-03-19.

Conditions:
Ellis-van Creveld syndrome (EVC). Also called: MESOECTODERMAL DYSPLASIA; Chondroectodermal dysplasia. Identifiers: Orphanet 289, MedGen C0013903, MONDO:0009162, OMIM 225500.
Curry-Hall syndrome (WAD). Also called: WEYERS ACRODENTAL DYSOSTOSIS. Identifiers: Orphanet 952, MedGen C0457013, MONDO:0008673, OMIM 193530.
Inborn genetic diseases. Identifiers: MedGen C0950123, MeSH D030342.

gnomAD v4.1: 1 of 1,614,178 alleles (0.000062%); highest among the groups gnomAD compares: Admixed American, 0.0017%; no homozygotes.

Submissions (3):

Ambry Genetics
Classification: Uncertain significance for Inborn genetic diseases. Last evaluated: 2026-03-19. Review status: criteria provided, single submitter. Criteria: Ambry Variant Classification Scheme 2023. Collection method: clinical testing. Allele origin: germline.

Labcorp Genetics (formerly Invitae), Labcorp
Classification: Uncertain significance for Curry-Hall syndrome; Ellis-van Creveld syndrome. Last evaluated: 2022-07-27. Review status: criteria provided, single submitter. Criteria: Invitae Variant Classification Sherloc (09022015). Collection method: clinical testing. Allele origin: germline.
Comment: This sequence change replaces serine, which is neutral and polar, with arginine, which is basic and polar, at codon 1240 of the EVC2 protein (p.Ser1240Arg). This variant is not present in population databases (gnomAD no frequency). This variant has not been reported in the literature in individuals affected with EVC2-related conditions. ClinVar contains an entry for this variant (Variation ID: 1331219). Algorithms developed to predict the effect of missense changes on protein structure and function output the following: SIFT: "Deleterious"; PolyPhen-2: "Benign"; Align-GVGD: "Class C0". The arginine amino acid residue is found in multiple mammalian species, which suggests that this missense change does not adversely affect protein function. In summary, the available evidence is currently insufficient to determine the role of this variant in disease. Therefore, it has been classified as a Variant of Uncertain Significance.

GeneDx
Classification: Uncertain significance. Last evaluated: 2021-12-21. Review status: criteria provided, single submitter. Criteria: GeneDx Variant Classification Process June 2021. Collection method: clinical testing. Allele origin: germline. Affected: yes.
Comment: Not observed at significant frequency in large population cohorts (Lek et al., 2016); In silico analysis supports that this missense variant does not alter protein structure/function; Has not been previously published as pathogenic or benign to our knowledge